The following is an entry in ClinVar:

ClinVar aggregate classification (germline): Uncertain significance. Review status: criteria provided, multiple submitters, no conflicts (2 of 4 stars). 2 submissions from 2 submitters: Uncertain significance (2). Last evaluated 2026-01-08.

Allele frequency attached by ClinVar (database versions not stated): ESP Exome Variant Server 0.00023; ExAC 0.00005; gnomAD 0.00014 and 0.00016; TOPMed 0.00014; gnomAD exomes 0.00016 and 0.00007.
gnomAD v4.1: 263 of 1,604,432 alleles (0.016%); highest among the groups gnomAD compares: Non-Finnish European, 0.021%; 1 homozygote.

Submissions (2):

GeneDx
Classification: Uncertain significance. Last evaluated: 2026-01-08. Review status: criteria provided, single submitter. Criteria: GeneDx Variant Classification Process June 2021. Collection method: clinical testing. Allele origin: germline.
Comment: In silico analysis suggests that this missense variant does not alter protein structure/function; This variant is associated with the following publications: (PMID: 35699875)

Labcorp Genetics (formerly Invitae), Labcorp
Classification: Uncertain significance. Last evaluated: 2023-11-13. Review status: criteria provided, single submitter. Criteria: Invitae Variant Classification Sherloc (09022015). Collection method: clinical testing. Allele origin: germline.
Comment: This sequence change replaces valine, which is neutral and non-polar, with methionine, which is neutral and non-polar, at codon 936 of the LONP1 protein (p.Val936Met). This variant is present in population databases (rs367780804, gnomAD 0.02%). This missense change has been observed in individual(s) with cerebral small vessel disease (PMID: 35699875). This variant is also known as p.Val740Met. ClinVar contains an entry for this variant (Variation ID: 1448345). Advanced modeling of protein sequence and biophysical properties (such as structural, functional, and spatial information, amino acid conservation, physicochemical variation, residue mobility, and thermodynamic stability) performed at Invitae indicates that this missense variant is not expected to disrupt LONP1 protein function with a negative predictive value of 80%. In summary, the available evidence is currently insufficient to determine the role of this variant in disease. Therefore, it has been classified as a Variant of Uncertain Significance.

Literature cited by the submitters: PubMed 35699875 (cited by Labcorp Genetics (formerly Invitae), Labcorp).

NM_004793.4(LONP1):c.2806G>A (p.Val936Met)

Gene: LONP1 (lon peptidase 1, mitochondrial; minus strand). Cytogenetic location: 19p13.3.
Variant type: single nucleotide variant.
Coding change: c.2806G>A on transcript NM_004793.4 (MANE Select); coding-DNA position 2806, G replaced by A.
Protein change: p.Val936Met; replaces valine 936 with methionine.
Molecular consequence: missense variant. On other transcripts: non-coding transcript variant (1).
Genome position (GRCh38, 1-based): chr19:5,692,106, C>T on the plus strand (G>A on the coding strand, the complement: LONP1 is on the minus strand). VCF-style: chr19-5692106-C-T. GRCh37 (hg19) VCF-style: chr19-5692117-C-T.
Other names: c.2614G>A, p.Val872Met (NM_001276479.2); c.2218G>A, p.Val740Met (NM_001276480.1); c.2806G>A (NM_004793.3); short protein forms V872M, V740M, V936M.
Identifiers: ClinVar variation 1448345 (VCV001448345.8), dbSNP rs367780804, ClinGen allele CA9113950.